The following is an entry in ClinVar:

NM_005359.6(SMAD4):c.888C>G (p.Pro296=)

Gene: SMAD4 (SMAD family member 4; plus strand). Cytogenetic location: 18q21.2.
Variant type: single nucleotide variant.
Coding change: c.888C>G on transcript NM_005359.6 (MANE Select); coding-DNA position 888, C replaced by G.
Protein change: p.Pro296=; no amino-acid change (proline 296 retained).
Molecular consequence: synonymous variant.
Genome position (GRCh38, 1-based): chr18:51,058,440, C>G. VCF-style: chr18-51058440-C-G. GRCh37 (hg19) VCF-style: chr18-48584810-C-G.
Other names: p.Pro296=.
Identifiers: ClinVar variation 413436 (VCV000413436.23), dbSNP rs1060504026, ClinGen allele CA16615796.

ClinVar aggregate classification (germline): Conflicting classifications of pathogenicity. Review status: criteria provided, conflicting classifications (1 of 4 stars). 8 submissions from 8 submitters: Uncertain significance (1); Benign (1); Likely benign (6). Last evaluated 2026-01-05.

Conditions:
Hereditary cancer-predisposing syndrome. Also called: Neoplastic Syndromes, Hereditary; Hereditary Cancer Syndrome; Hereditary neoplastic syndrome; Tumor predisposition. Identifiers: Orphanet 140162, MedGen C0027672, MeSH D009386, MONDO:0015356.
Familial thoracic aortic aneurysm and aortic dissection (TAAD). Also called: Thoracic aortic aneurysms and dissections. Identifiers: Orphanet 91387, MedGen C4707243, MONDO:0019625.
Juvenile polyposis syndrome (JPS). Identifiers: Orphanet 2929, MedGen C0345893, MONDO:0017380, OMIM 174900.
Juvenile polyposis/hereditary hemorrhagic telangiectasia syndrome (JPHT). Also called: POLYPOSIS, GENERALIZED JUVENILE, WITH PULMONARY ARTERIOVENOUS MALFORMATION; TELANGIECTASIA, HEREDITARY HEMORRHAGIC, WITH JUVENILE POLYPOSIS COLI; Juvenile Polyposis Syndrome / Hereditary Hemorrhagic Telangiectasia (JPS/HHT); JP/HHT SYNDROME; JUVENILE POLYPOSIS WITH HEREDITARY HEMORRHAGIC TELANGIECTASIA. Identifiers: Orphanet 2929, MedGen C1832942, MONDO:0008278, OMIM 175050.

Allele frequency attached by ClinVar (database versions not stated): TOPMed below 0.00001; gnomAD 0.00001; gnomAD exomes 0.00001.
gnomAD v4.1: 26 of 1,613,130 alleles (0.0016%); highest among the groups gnomAD compares: Non-Finnish European, 0.002%; no homozygotes.

Submissions (8):

Labcorp Genetics (formerly Invitae), Labcorp
Classification: Likely benign for Juvenile polyposis syndrome. Last evaluated: 2026-01-05. Review status: criteria provided, single submitter. Criteria: Invitae Variant Classification Sherloc (09022015). Collection method: clinical testing. Allele origin: germline.

Quest Diagnostics Nichols Institute San Juan Capistrano
Classification: Uncertain significance. Last evaluated: 2025-05-20. Review status: criteria provided, single submitter. Criteria: Quest Diagnostics criteria. Collection method: clinical testing. Allele origin: unknown.
Comment: The SMAD4 c.888C>G (p.Pro296=) synonymous variant has not been reported in individuals with SMAD4-related conditions in the published literature. The frequency of this variant in the general population (Genome Aggregation Database) is uninformative in the assessment of its pathogenicity. Analysis of this variant using software algorithms for the prediction of the effect of nucleotide changes on splicing yielded predictions that this variant does not affect SMAD4 mRNA splicing. Based on the available information, we are unable to determine the clinical significance of this variant.

Myriad Genetics, Inc.
Classification: Benign for Juvenile polyposis/hereditary hemorrhagic telangiectasia syndrome. Last evaluated: 2025-03-20. Review status: criteria provided, single submitter. Criteria: Myriad Autosomal Dominant, Autosomal Recessive and X-Linked Classification Criteria (2023). Collection method: clinical testing. Allele origin: unknown.
Comment: This variant is considered benign. This variant is a silent/synonymous amino acid change and it is not expected to impact splicing.

Mayo Clinic Laboratories, Mayo Clinic
Classification: Likely benign. Last evaluated: 2024-12-17. Review status: criteria provided, single submitter. Criteria: ACMG Guidelines, 2015. Collection method: clinical testing. Allele origin: germline. Observed: 1 variant allele.
Comment: BP4, BP7

All of Us Research Program, National Institutes of Health
Classification: Likely benign for Juvenile polyposis/hereditary hemorrhagic telangiectasia syndrome. Last evaluated: 2024-07-20. Review status: criteria provided, single submitter. Criteria: ACMG Guidelines, 2015. Collection method: clinical testing. Allele origin: germline. Inheritance: Autosomal dominant inheritance. Observed: 7 variant alleles, 7 heterozygotes.
Comment: This study involves interpretation of variants in research participants for the purpose of population health screening. Participant phenotype was not available at the time of variant classification. Additional details can be found in publication PMID: 35346344, PMCID: PMC8962531

Color Diagnostics, LLC DBA Color Health
Classification: Likely benign for Hereditary cancer-predisposing syndrome. Last evaluated: 2019-03-28. Review status: criteria provided, single submitter. Criteria: ACMG Guidelines, 2015. Collection method: clinical testing. Allele origin: germline.

GeneDx
Classification: Likely benign. Last evaluated: 2017-08-03. Review status: criteria provided, single submitter. Criteria: GeneDx Variant Classification (06012015). Collection method: clinical testing. Allele origin: germline. Affected: yes.
Comment: This variant is considered likely benign or benign based on one or more of the following criteria: it is a conservative change, it occurs at a poorly conserved position in the protein, it is predicted to be benign by multiple in silico algorithms, and/or has population frequency not consistent with disease.

Ambry Genetics
Classification: Likely benign for Hereditary cancer-predisposing syndrome; Familial thoracic aortic aneurysm and aortic dissection. Last evaluated: 2017-05-31. Review status: criteria provided, single submitter. Criteria: Ambry Variant Classification Scheme 2023. Collection method: clinical testing. Allele origin: germline.